The following is an entry in ClinVar:

NM_000059.4(BRCA2):c.5935A>G (p.Ser1979Gly)

Gene: BRCA2 (BRCA2 DNA repair associated; plus strand). Cytogenetic location: 13q13.1.
Variant type: single nucleotide variant.
Coding change: c.5935A>G on transcript NM_000059.4 (MANE Select); coding-DNA position 5935, A replaced by G.
Protein change: p.Ser1979Gly; replaces serine 1979 with glycine.
Molecular consequence: missense variant.
Genome position (GRCh38, 1-based): chr13:32,340,290, A>G. VCF-style: chr13-32340290-A-G. GRCh37 (hg19) VCF-style: chr13-32914427-A-G.
Other names: c.5935A>G, p.Ser1979Gly (NM_001406719.1, NM_001406720.1); short protein forms S1979G.
Identifiers: ClinVar variation 1716104 (VCV001716104.7), dbSNP rs2137522453, ClinGen allele CA387787559.
Genomic context (GRCh38, chr13:32,340,290, plus strand): 5'-AAATGTAGTATAGGGAAGCTTCATAAGTCAGTCTCATCTGCAAATACTTGTGGGATTTTT[A>G]GCACAGCAAGTGGAAAATCTGTCCAGGTATCAGATGCTTCATTACAAAACGCAAGACAAG-3'
Protein context (NP_000050.3, residues 1969-1989): VSSANTCGIF[Ser1979Gly]TASGKSVQVS

ClinVar aggregate classification (germline): Conflicting classifications of pathogenicity. Review status: criteria provided, conflicting classifications (1 of 4 stars). 2 submissions from 2 submitters: Uncertain significance (1); Likely benign (1). Last evaluated 2023-03-23.

Conditions:
Hereditary breast ovarian cancer syndrome. Also called: Hereditary breast and ovarian cancer syndrome; Hereditary breast and ovarian cancer syndrome (HBOC); Breast and ovarian cancer; Hereditary breast and/or ovarian cancer syndrome; Hereditary breast and ovarian cancer; BRCA1- and BRCA2-Associated Hereditary Breast and Ovarian Cancer. Identifiers: Orphanet 145, MedGen C0677776, MeSH D061325, MONDO:0003582. Disease mechanism: loss of function.
Hereditary cancer-predisposing syndrome. Also called: Neoplastic Syndromes, Hereditary; Tumor predisposition; Hereditary Cancer Syndrome; Hereditary neoplastic syndrome. Identifiers: Orphanet 140162, MedGen C0027672, MeSH D009386, MONDO:0015356.

Submissions (2):

University of Washington Department of Laboratory Medicine, University of Washington
Classification: Likely benign for Hereditary cancer-predisposing syndrome. Last evaluated: 2023-03-23. Review status: criteria provided, single submitter. Criteria: Dines et al. (Genet Med. 2020). Collection method: curation. Allele origin: germline.
Comment: Missense variant in a coldspot region where missense variants are very unlikely to be pathogenic (PMID:31911673).

BRCA2 exon 11 coldspot. Reclassification based on statistical prior probability.

Labcorp Genetics (formerly Invitae), Labcorp
Classification: Uncertain significance for Hereditary breast ovarian cancer syndrome. Last evaluated: 2022-08-10. Review status: criteria provided, single submitter. Criteria: Invitae Variant Classification Sherloc (09022015). Collection method: clinical testing. Allele origin: germline.
Comment: In summary, the available evidence is currently insufficient to determine the role of this variant in disease. Therefore, it has been classified as a Variant of Uncertain Significance. Advanced modeling of protein sequence and biophysical properties (such as structural, functional, and spatial information, amino acid conservation, physicochemical variation, residue mobility, and thermodynamic stability) performed at Invitae indicates that this missense variant is not expected to disrupt BRCA2 protein function. This variant has not been reported in the literature in individuals affected with BRCA2-related conditions. This variant is not present in population databases (gnomAD no frequency). This sequence change replaces serine, which is neutral and polar, with glycine, which is neutral and non-polar, at codon 1979 of the BRCA2 protein (p.Ser1979Gly).